The following is an entry in ClinVar:

NM_001754.5(RUNX1):c.551C>T (p.Pro184Leu)

Genes: RUNX1 (RUNX family transcription factor 1; minus strand), RUNX1-AS1 (RUNX1 antisense RNA 1; plus strand). Cytogenetic location: 21q22.12.
Variant type: single nucleotide variant.
Coding change: c.551C>T on transcript NM_001754.5 (MANE Select); coding-DNA position 551, C replaced by T.
Protein change: p.Pro184Leu; replaces proline 184 with leucine.
Molecular consequence: missense variant.
Genome position (GRCh38, 1-based): chr21:34,859,536, G>A on the plus strand (C>T on the coding strand, the complement: RUNX1 is on the minus strand). VCF-style: chr21-34859536-G-A. GRCh37 (hg19) VCF-style: chr21-36231833-G-A.
Other names: NM_001754.5(RUNX1):c.551C>T; p.Pro184Leu; c.470C>T, p.Pro157Leu (NM_001001890.3, NM_001122607.2); short protein forms P184L, P157L.
Identifiers: ClinVar variation 2910839 (VCV002910839.4), dbSNP rs1366776979, ClinGen allele CA410208068.
Genomic context (GRCh38, chr21:34,859,536, plus strand): 5'-CGAGGTTCTCGGGGCCCATCCACTGTGATTTTGATGGCTCTGTGGTAGGTGGCGACTTGC[G>A]GTGGGTTTGTGAAGACAGTGATGGTCAGAGTGAAGCTTTTCCCTGTGGGGACACGATAGA-3'
Protein context (NP_001745.2, residues 174-194): TLTITVFTNP[Pro184Leu]QVATYHRAIK

ClinVar aggregate classification (germline): Uncertain significance. Review status: reviewed by expert panel (3 of 4 stars). 2 submissions from 2 submitters: Uncertain significance (1). 1 of the submissions does not count toward it. Last evaluated 2025-01-15.

Conditions:
Hereditary thrombocytopenia and hematological cancer predisposition syndrome associated with RUNX1. Also called: RUNX1 Familial Platelet Disorder with Associated Myeloid Malignancies; Familial Platelet Disorder with Propensity to Acute Myelogenous Leukemia; Familial thrombocytopenia with propensity to acute myelogenous leukemia; PLATELET DISORDER, ASPIRIN-LIKE. Identifiers: Orphanet 71290, MedGen C1832388, MeSH C563324, MONDO:0100083, OMIM 601399.
Hereditary thrombocytopenia and hematologic cancer predisposition syndrome. Identifiers: Orphanet 71290, MedGen CN281654, MONDO:0011071.

Allele frequency attached by ClinVar (database versions not stated): TOPMed below 0.00001.
gnomAD v4.1: 2 of 1,614,186 alleles (0.00012%); highest among the groups gnomAD compares: South Asian, 0.0022%; no homozygotes.

Submissions (2):

ClinGen Myeloid Malignancy Variant Curation Expert Panel
Classification: Uncertain significance for Hereditary thrombocytopenia and hematologic cancer predisposition syndrome. Last evaluated: 2025-01-15. Review status: reviewed by expert panel. Criteria: ClinGen MyeloMalig ACMG Specifications v2. Collection method: curation. Allele origin: germline. Inheritance: Autosomal dominant inheritance.
Comment: NM_001754.5(RUNX1):c.551C>T (p.Pro184Leu) is a missense variant which has a REVEL score ≥ 0.88 (0.944) (PP3). This missense variant is located within the Runt Homology Domain (AA 89-204), but does not occur in an established hotspot residue (PM1_supporting). This variant is completely absent from all population databases with at least 20x coverage for RUNX1 (PM2_supporting). In summary, the clinical significance of this variant is uncertain. ACMG/AMP criteria applied, as specified by the Myeloid Malignancy Variant Curation Expert Panel for RUNX1: PM1_supporting, PM2_supporting, PP3.

Labcorp Genetics (formerly Invitae), Labcorp
Classification: Uncertain significance for Hereditary thrombocytopenia and hematological cancer predisposition syndrome associated with RUNX1. Last evaluated: 2023-06-04. Review status: criteria provided, single submitter. Criteria: Invitae Variant Classification Sherloc (09022015). Collection method: clinical testing. Allele origin: germline. Not counted in ClinVar's aggregate classification.
Comment: In summary, the available evidence is currently insufficient to determine the role of this variant in disease. Therefore, it has been classified as a Variant of Uncertain Significance. This sequence change replaces proline, which is neutral and non-polar, with leucine, which is neutral and non-polar, at codon 184 of the RUNX1 protein (p.Pro184Leu). This variant is not present in population databases (gnomAD no frequency). This variant has not been reported in the literature in individuals affected with RUNX1-related conditions. Advanced modeling of protein sequence and biophysical properties (such as structural, functional, and spatial information, amino acid conservation, physicochemical variation, residue mobility, and thermodynamic stability) performed at Invitae indicates that this missense variant is not expected to disrupt RUNX1 protein function.